The following is an entry in ClinVar:

ClinVar aggregate classification (germline): Uncertain significance (0 of 4 stars; one submission).

Conditions:
EXOC6B-related disorder. Also called: EXOC6B-related condition.

gnomAD v4.1: 8 of 1,601,162 alleles (0.0005%); highest among the groups gnomAD compares: African/African-American, 0.008%; no homozygotes.

Submission:

PreventionGenetics, part of Exact Sciences
Classification: Uncertain significance for EXOC6B-related condition. Last evaluated: 2024-08-21. Review status: no assertion criteria provided. Collection method: clinical testing. Allele origin: germline.
Comment: The EXOC6B c.1406T>C variant is predicted to result in the amino acid substitution p.Val469Ala. To our knowledge, this variant has not been reported in the literature. This variant is reported in 0.0086% of alleles in individuals of African descent in gnomAD. At this time, the clinical significance of this variant is uncertain due to the absence of conclusive functional and genetic evidence.

NM_015189.3(EXOC6B):c.1406T>C (p.Val469Ala)

Gene: EXOC6B (exocyst complex component 6B; minus strand). Cytogenetic location: 2p13.2.
Variant type: single nucleotide variant.
Coding change: c.1406T>C on transcript NM_015189.3 (MANE Select); coding-DNA position 1406, T replaced by C.
Protein change: p.Val469Ala; replaces valine 469 with alanine.
Molecular consequence: missense variant. On other transcripts: non-coding transcript variant (2).
Genome position (GRCh38, 1-based): chr2:72,496,491, A>G on the plus strand (T>C on the coding strand, the complement: EXOC6B is on the minus strand). VCF-style: chr2-72496491-A-G. GRCh37 (hg19) VCF-style: chr2-72723620-A-G.
Other names: c.1406T>C, p.Val469Ala (NM_001321729.2, NM_001321730.2, NM_001321731.2 and 1 more transcripts); c.1067T>C, p.Val356Ala (NM_001321734.2); short protein forms V356A, V469A.
Identifiers: ClinVar variation 3348106 (VCV003348106.1).
Genomic context (GRCh38, chr2:72,496,491, plus strand): 5'-ATTTATTTTAAAGTATTCCTTACCTTTTCCAGTTCTATATCTTGAAATGGGAATTGTCCT[A>G]CCACCTTTTTGTACATCTCTTCACTTGTTACTGGTATAGGACTGTAGTTGTCAGAATCAA-3'
Protein context (NP_056004.1, residues 459-479): VTSEEMYKKV[Val469Ala]GQFPFQDIEL